The following is an entry in ClinVar:

NM_014159.7(SETD2):c.3802_3804del (p.Ser1268del)

Gene: SETD2 (SET domain containing 2, histone lysine methyltransferase; minus strand). Cytogenetic location: 3p21.31.
Variant type: Deletion.
Coding change: c.3802_3804del on transcript NM_014159.7 (MANE Select); coding-DNA positions 3802 to 3804, 3 bases deleted (TCT; older notation c.3802_3804delTCT).
Protein change: p.Ser1268del; deletes serine 1268.
Molecular consequence: inframe deletion. On other transcripts: non-coding transcript variant (1).
Genome position (GRCh38, 1-based): chr3:47,120,832-47,120,834, AGA deleted on the plus strand (TCT on the coding strand, the reverse complement: SETD2 is on the minus strand); deleting any 3 consecutive bases within chr3:47,120,832-47,120,836 gives the same sequence; the c. name uses the placement nearest the transcript's 3' end. VCF-style (leftmost placement, unchanged base first): chr3-47120831-TAGA-T. GRCh37 (hg19) VCF-style: chr3-47162321-TAGA-T.
Other names: c.3670_3672del, p.Ser1224del (NM_001349370.3); short protein forms S1268del, S1224del.
Identifiers: ClinVar variation 845345 (VCV000845345.6), dbSNP rs2043049417, ClinGen allele CA916082292.
Genomic context (GRCh38, chr3:47,120,831, plus strand): 5'-TTTGCTGATACTTGTGTCCACCACAAGCTCCATAGCTACTGTCAGGTTGCTGATACGTGG[TAGA>T]AGGCTTTTCTTGAGAGAAGTCCCAACCTAAGTTTCTGAGCTCTTCTGATGAGTGCAAGCC-3'

ClinVar aggregate classification (germline): Uncertain significance (1 of 4 stars; one submission).

Conditions:
Luscan-Lumish syndrome. Identifiers: Orphanet 597738, MedGen C4085873, MONDO:0014791, OMIM 616831.

Submission:

Labcorp Genetics (formerly Invitae), Labcorp
Classification: Uncertain significance for Luscan-Lumish syndrome. Last evaluated: 2019-04-04. Review status: criteria provided, single submitter. Criteria: Invitae Variant Classification Sherloc (09022015). Collection method: clinical testing. Allele origin: germline.
Comment: In summary, the available evidence is currently insufficient to determine the role of this variant in disease. Therefore, it has been classified as a Variant of Uncertain Significance. Experimental studies and prediction algorithms are not available for this variant, and the functional significance of the affected amino acid(s) is currently unknown. This variant has not been reported in the literature in individuals with SETD2-related conditions. This variant is not present in population databases (ExAC no frequency). This variant, c.3802_3804del, results in the deletion of 1 amino acid(s) of the SETD2 protein (p.Ser1268del), but otherwise preserves the integrity of the reading frame.